The following is an entry in ClinVar:

ClinVar aggregate classification (germline): Uncertain significance (1 of 4 stars; one submission).

Conditions:
Hereditary pheochromocytoma and paraganglioma. Also called: Hereditary Paraganglioma-Pheochromocytoma Syndromes; Hereditary paragangliomas and pheochromocytomas; Hereditary pheochromocytoma-paraganglioma. Identifiers: Orphanet 29072, MedGen C4274332, MONDO:0017366.

Submission:

Color Diagnostics, LLC DBA Color Health
Classification: Uncertain significance for Hereditary pheochromocytoma and paraganglioma. Last evaluated: 2025-10-28. Review status: criteria provided, single submitter. Criteria: ACMG Guidelines, 2015. Collection method: clinical testing. Allele origin: germline.
Comment: This variant causes an in-frame deletion of alanine at residue 2 in the SDHAF2 protein. To our knowledge, functional studies have not been reported for this variant. This variant has not been reported in individuals affected with SDHAF2-related disorders in the literature. This variant has not been identified in the general population by the Genome Aggregation Database (gnomAD). The available evidence is insufficient to determine the role of this variant in disease conclusively. Therefore, this variant is classified as a Variant of Uncertain Significance.

NM_017841.4(SDHAF2):c.5_7del (p.Ala2del)

Gene: SDHAF2 (succinate dehydrogenase complex assembly factor 2; plus strand). Cytogenetic location: 11q12.2.
Variant type: Deletion.
Coding change: c.5_7del on transcript NM_017841.4 (MANE Select); coding-DNA positions 5 to 7, 3 bases deleted (CGG; older notation c.5_7delCGG).
Protein change: p.Ala2del; deletes alanine 2.
Molecular consequence: initiator codon variant.
Genome position (GRCh38, 1-based): chr11:61,430,151-61,430,153, CGG deleted; deleting any 3 consecutive bases within chr11:61,430,149-61,430,153 gives the same sequence; the c. name uses the placement nearest the transcript's 3' end. VCF-style (leftmost placement, unchanged base first): chr11-61430148-TGGC-T. GRCh37 (hg19) VCF-style: chr11-61197620-TGGC-T.
Other names: short protein forms A2del.
Identifiers: ClinVar variation 4758411 (VCV004758411.1).